The following is an entry in ClinVar:

ClinVar aggregate classification (germline): Pathogenic (1 of 4 stars; one submission).

Conditions:
Kleefstra syndrome 1 (KLEFS1). Identifiers: Orphanet 261494, MedGen C0795833, MONDO:0027407, OMIM 610253.

Submission:

Henan Neurodevelopment Engineering Research Center for Children, Children's Hospital Affiliated to Zhengzhou University
Classification: Pathogenic for Kleefstra syndrome 1. Review status: criteria provided, single submitter. Criteria: ACMG Guidelines, 2015. Collection method: clinical testing. Allele origin: de novo. Inheritance: Autosomal dominant inheritance. Affected: yes.
Comment: The pathogenesis of Kleefstra syndrome is primarily associated with a 9q34.3 microdeletion or pathogenic variants in the EHMT1 gene, leading to loss of function of this gene and, consequently, neurodevelopmental abnormalities (Kleefstra 2006). Our variant is a novel de novo multi-exon deletion that has not been previously reported in public databases. This variant results in loss of function of the EHMT1 gene, meeting our criteria for classification as pathogenic.

Literature cited by the submitters: PubMed 16826528.

Single allele

Genes: EHMT1 (euchromatic histone lysine methyltransferase 1; plus strand), LOC651337 (uncharacterized LOC651337; minus strand). Cytogenetic location: 9q34.3.
Variant type: Deletion.
Identifiers: ClinVar variation 4850990 (VCV004850990.1).